The following is an entry in ClinVar:

NM_001177316.2(SLC34A3):c.449-9del

Gene: SLC34A3 (solute carrier family 34 member 3; plus strand). Cytogenetic location: 9q34.3.
Variant type: Deletion.
Coding change: c.449-9del on transcript NM_001177316.2 (MANE Select); 9 bases into the intron before coding-DNA position 449, one base deleted (C; older notation c.449-9delC).
Molecular consequence: intron variant.
Genome position (GRCh38, 1-based): chr9:137,232,995, C deleted; the last of 7 consecutive C bases (chr9:137,232,989-137,232,995); deleting any one gives the same sequence. VCF-style (leftmost placement, unchanged base first): chr9-137232988-GC-G. GRCh37 (hg19) VCF-style: chr9-140127440-GC-G.
Other names: c.449-9del (NM_001177317.2, NM_080877.3); c.449-9delC (NM_080877.3).
Identifiers: ClinVar variation 1564696 (VCV001564696.12), dbSNP rs752134669, ClinGen allele CA5364404.

ClinVar aggregate classification (germline): Benign/Likely benign. Review status: criteria provided, multiple submitters, no conflicts (2 of 4 stars). 3 submissions from 3 submitters: Benign (1); Likely benign (1). 1 of the submissions does not count toward it. Last evaluated 2025-11-08.

Conditions:
SLC34A3-related disorder. Also called: SLC34A3-related condition.

Submissions (3):

Labcorp Genetics (formerly Invitae), Labcorp
Classification: Benign. Last evaluated: 2025-11-08. Review status: criteria provided, single submitter. Criteria: Invitae Variant Classification Sherloc (09022015). Collection method: clinical testing. Allele origin: germline.

Women's Health and Genetics/Laboratory Corporation of America, LabCorp
Classification: Likely benign. Last evaluated: 2025-04-03. Review status: criteria provided, single submitter. Criteria: LabCorp Variant Classification Summary - May 2015. Collection method: clinical testing. Allele origin: germline.
Comment: Variant summary: SLC34A3 c.449-9delC alters a nucleotide located at a position not widely known to affect splicing. Consensus agreement among computation tools predict no significant impact on normal splicing. However, these predictions have yet to be confirmed by functional studies. The variant allele was found at a frequency of 9e-05 in 244264 control chromosomes. This frequency is not significantly higher than estimated for a pathogenic variant in SLC34A3 causing Hereditary Hypophosphatemic Rickets With Hypercalciuria (9e-05 vs 0.0018), allowing no conclusion about variant significance. To our knowledge, no occurrence of c.449-9delC in individuals affected with Hereditary Hypophosphatemic Rickets With Hypercalciuria and no experimental evidence demonstrating its impact on protein function have been reported. ClinVar contains an entry for this variant (Variation ID: 1564696). Based on the evidence outlined above, the variant was classified as likely benign.

PreventionGenetics, part of Exact Sciences
Classification: Likely benign for SLC34A3-related condition. Last evaluated: 2024-05-08. Review status: no assertion criteria provided. Collection method: clinical testing. Allele origin: germline. Not counted in ClinVar's aggregate classification.
Comment: This variant is classified as likely benign based on ACMG/AMP sequence variant interpretation guidelines (Richards et al. 2015 PMID: 25741868, with internal and published modifications).